The following is an entry in ClinVar:

NM_182961.4(SYNE1):c.16350G>A (p.Ala5450=)

Gene: SYNE1 (spectrin repeat containing nuclear envelope protein 1; minus strand). Cytogenetic location: 6q25.2.
Variant type: single nucleotide variant.
Coding change: c.16350G>A on transcript NM_182961.4 (MANE Select); coding-DNA position 16350, G replaced by A.
Protein change: p.Ala5450=; no amino-acid change (alanine 5450 retained).
Molecular consequence: synonymous variant.
Genome position (GRCh38, 1-based): chr6:152,318,902, C>T on the plus strand (G>A on the coding strand, the complement: SYNE1 is on the minus strand). VCF-style: chr6-152318902-C-T. GRCh37 (hg19) VCF-style: chr6-152640037-C-T.
Other names: p.Ala5379=; c.16137G>A (NM_033071.3); c.16137G>A, p.Ala5379= (NM_033071.5).
Identifiers: ClinVar variation 1641868 (VCV001641868.10), dbSNP rs768673070, ClinGen allele CA4055539.

ClinVar aggregate classification (germline): Likely benign. Review status: criteria provided, multiple submitters, no conflicts (2 of 4 stars). 3 submissions from 3 submitters: Likely benign (3). Last evaluated 2025-03-25.

Conditions:
Autosomal recessive ataxia, Beauce type. Also called: SYNE1 Deficiency; ATAXIA, RECESSIVE, OF BEAUCE; Spinocerebellar ataxia, autosomal recessive 8; SYNE1-Related Autosomal Recessive Cerebellar Ataxia. Identifiers: Orphanet 88644, MedGen C1853116, MONDO:0012549, OMIM 610743.
Emery-Dreifuss muscular dystrophy 4, autosomal dominant (EDMD4). Also called: EMERY-DREIFUSS MUSCULAR DYSTROPHY 4 WITH VARIABLE FEATURES. Identifiers: Orphanet 261, MedGen C2751807, MONDO:0013071, OMIM 612998.

Allele frequency attached by ClinVar (database versions not stated): ExAC 0.00002; gnomAD 0.00004; gnomAD exomes 0.00004 and 0.00011; TOPMed 0.00004.
gnomAD v4.1: 167 of 1,614,054 alleles (0.01%); highest among the groups gnomAD compares: Non-Finnish European, 0.013%; no homozygotes.

Submissions (3):

Mayo Clinic Laboratories, Mayo Clinic
Classification: Likely benign. Last evaluated: 2025-03-25. Review status: criteria provided, single submitter. Criteria: ACMG Guidelines, 2015. Collection method: clinical testing. Allele origin: germline. Observed: 1 variant allele.
Comment: BP4, BP7

Labcorp Genetics (formerly Invitae), Labcorp
Classification: Likely benign for Emery-Dreifuss muscular dystrophy 4, autosomal dominant; Autosomal recessive ataxia, Beauce type. Last evaluated: 2024-12-09. Review status: criteria provided, single submitter. Criteria: Invitae Variant Classification Sherloc (09022015). Collection method: clinical testing. Allele origin: germline.

Blueprint Genetics
Classification: Likely benign. Last evaluated: 2023-02-01. Review status: criteria provided, single submitter. Criteria: ACMG Guidelines, 2015. Collection method: clinical testing. Allele origin: germline.